The following is an entry in ClinVar:

NM_001354712.2(THRB):c.*1662T>C

Gene: THRB (thyroid hormone receptor beta; minus strand). Cytogenetic location: 3p24.2.
Variant type: single nucleotide variant.
Coding change: c.*1662T>C on transcript NM_001354712.2 (MANE Select); 1662 bases downstream of the stop codon, T replaced by C.
Molecular consequence: 3 prime UTR variant.
Genome position (GRCh38, 1-based): chr3:24,121,222, A>G on the plus strand (T>C on the coding strand, the complement: THRB is on the minus strand). VCF-style: chr3-24121222-A-G. GRCh37 (hg19) VCF-style: chr3-24162713-A-G.
Other names: c.*1662T>C (NM_000461.5, NM_001128176.3, NM_001128177.2 and 8 more transcripts).
Identifiers: ClinVar variation 344609 (VCV000344609.5), dbSNP rs187291821, ClinGen allele CA10618367.

ClinVar aggregate classification (germline): Benign (1 of 4 stars; one submission).

Conditions:
Thyroid hormone resistance, generalized, autosomal dominant (GRTHD). Also called: HYPERTHYROXINEMIA, FAMILIAL EUTHYROID, SECONDARY TO PITUITARY AND PERIPHERAL RESISTANCE TO THYROID HORMONES. Identifiers: MedGen C2937288, MONDO:0008569, OMIM 188570.

Allele frequency attached by ClinVar (database versions not stated): TOPMed 0.00028; gnomAD 0.00030 and 0.00031; 1000 Genomes Project 30x 0.00031; 1000 Genomes Project 0.00040.

Submission:

Illumina Laboratory Services, Illumina
Classification: Benign for Thyroid hormone resistance, generalized, autosomal dominant. Last evaluated: 2018-01-12. Review status: criteria provided, single submitter. Criteria: ICSL Variant Classification Criteria 13 December 2019. Collection method: clinical testing. Allele origin: germline.
Comment: This variant was observed in the ICSL laboratory as part of a predisposition screen in an ostensibly healthy population. It had not been previously curated by ICSL or reported in the Human Gene Mutation Database (HGMD: prior to June 1st, 2018), and was therefore a candidate for classification through an automated scoring system. Utilizing variant allele frequency, disease prevalence and penetrance estimates, and inheritance mode, an automated score was calculated to assess if this variant is too frequent to cause the disease. Based on the score and internal cut-off values, a variant classified as benign is not then subjected to further curation. The score for this variant resulted in a classification of benign for this disease.